The following is an entry in ClinVar:

NM_000193.4(SHH):c.824C>T (p.Ala275Val)

Gene: SHH (sonic hedgehog signaling molecule; minus strand). Cytogenetic location: 7q36.3.
Variant type: single nucleotide variant.
Coding change: c.824C>T on transcript NM_000193.4 (MANE Select); coding-DNA position 824, C replaced by T.
Protein change: p.Ala275Val; replaces alanine 275 with valine.
Molecular consequence: missense variant. On other transcripts: intron variant (1).
Genome position (GRCh38, 1-based): chr7:155,803,465, G>A on the plus strand (C>T on the coding strand, the complement: SHH is on the minus strand). VCF-style: chr7-155803465-G-A. GRCh37 (hg19) VCF-style: chr7-155596159-G-A.
Other names: c.301+2831C>T (NM_001310462.2); short protein forms A275V.
Identifiers: ClinVar variation 4796738 (VCV004796738.1).
Genomic context (GRCh38, chr7:155,803,465, plus strand): 5'-GAAGGCGGCCCCGAGCCCGAGGACGCCTCGGGCTCCCCGGTGGCCGAGTCGTTGTGCGGC[G>A]CCACAAAGAGCAGGTGCGCGGCGGTGAGCAGCAGGCGCTCGCGCGGCTCCCGCGTCTCGA-3'
Protein context (NP_000184.1, residues 265-285): LLTAAHLLFV[Ala275Val]PHNDSATGEP

ClinVar aggregate classification (germline): Likely benign (1 of 4 stars; one submission).

Conditions:
Holoprosencephaly 3 (HPE3). Identifiers: Orphanet 2162, MedGen C1840529, MONDO:0007733, OMIM 142945.

Submission:

Centre for Medical Genetics,  Mumbai
Classification: Likely benign for Holoprosencephaly 3. Last evaluated: 2026-02-23. Review status: criteria provided, single submitter. Criteria: ACMG Guidelines, 2015. Collection method: provider interpretation. Allele origin: germline. Inheritance: Autosomal dominant inheritance. Affected: no.
Comment: The variant satisfies PM2 criteria; Extremely low frequency in gnomAD population databases. The variant satisfies PM1 criteria; Non-truncating non-synonymous variant is located in a mutational hot spot and/or critical and well-established functional domain. The variant satisfies PP2 criteria; Missense variant in a gene with low rate of benign missense mutations and for which missense mutation is a common mechanism of a disease. The variant satisfies PM5 criteria; Different amino acid change as a known pathogenic variant. The variant satisfies PP3 criteria; For a missense or a splicing region variant, computational prediction tools unanimously support a deleterious effect on the gene. However, the variant satisfies BS2 criteria.

Literature cited by the submitters: PubMed 8896572.